The following is an entry in ClinVar:

NM_001349253.2(SCN11A):c.2725G>T (p.Val909Phe)

Gene: SCN11A (sodium voltage-gated channel alpha subunit 11; minus strand). Cytogenetic location: 3p22.2.
Variant type: single nucleotide variant.
Coding change: c.2725G>T on transcript NM_001349253.2 (MANE Select); coding-DNA position 2725, G replaced by T.
Protein change: p.Val909Phe; replaces valine 909 with phenylalanine.
Molecular consequence: missense variant.
Genome position (GRCh38, 1-based): chr3:38,894,643, C>A on the plus strand (G>T on the coding strand, the complement: SCN11A is on the minus strand). VCF-style: chr3-38894643-C-A. GRCh37 (hg19) VCF-style: chr3-38936134-C-A.
Other names: c.2725G>T, p.Val909Phe (NM_014139.3); short protein forms V909F.
Identifiers: ClinVar variation 854257 (VCV000854257.6), dbSNP rs33985936, ClinGen allele CA2321985.

ClinVar aggregate classification (germline): Uncertain significance (1 of 4 stars; one submission).

Conditions:
Hereditary sensory and autonomic neuropathy type 7. Also called: Neuropathy, hereditary sensory and autonomic, type VII; HSAN VII. Identifiers: Orphanet 391397, MedGen C3809882, MONDO:0014244, OMIM 615548.
Familial episodic pain syndrome with predominantly lower limb involvement. Also called: Episodic pain syndrome, familial, 3. Identifiers: Orphanet 391384, Orphanet 391392, MedGen C3809899, MONDO:0014247, OMIM 615552.

gnomAD v4.1: 4 of 1,613,986 alleles (0.00025%); highest among the groups gnomAD compares: East Asian, 0.0089%; no homozygotes.

Submission:

Labcorp Genetics (formerly Invitae), Labcorp
Classification: Uncertain significance for Familial episodic pain syndrome with predominantly lower limb involvement; Hereditary sensory and autonomic neuropathy type 7. Last evaluated: 2023-07-10. Review status: criteria provided, single submitter. Criteria: Invitae Variant Classification Sherloc (09022015). Collection method: clinical testing. Allele origin: germline.
Comment: In summary, the available evidence is currently insufficient to determine the role of this variant in disease. Therefore, it has been classified as a Variant of Uncertain Significance. Advanced modeling of protein sequence and biophysical properties (such as structural, functional, and spatial information, amino acid conservation, physicochemical variation, residue mobility, and thermodynamic stability) performed at Invitae indicates that this missense variant is not expected to disrupt SCN11A protein function. ClinVar contains an entry for this variant (Variation ID: 854257). This variant has not been reported in the literature in individuals affected with SCN11A-related conditions. This variant is present in population databases (rs33985936, gnomAD 0.01%). This sequence change replaces valine, which is neutral and non-polar, with phenylalanine, which is neutral and non-polar, at codon 909 of the SCN11A protein (p.Val909Phe).